The following is an entry in ClinVar:

ClinVar aggregate classification (germline): Uncertain significance (1 of 4 stars; one submission).

Conditions:
Inborn genetic diseases. Identifiers: MedGen C0950123, MeSH D030342.

Submission:

Ambry Genetics
Classification: Uncertain significance for Inborn genetic diseases. Last evaluated: 2024-09-12. Review status: criteria provided, single submitter. Criteria: Ambry Variant Classification Scheme 2023. Collection method: clinical testing. Allele origin: germline.
Comment: The p.A549G variant (also known as c.1646C>G), located in coding exon 14 of the LRRK2 gene, results from a C to G substitution at nucleotide position 1646. The alanine at codon 549 is replaced by glycine, an amino acid with similar properties. This amino acid position is conserved. In addition, this alteration is predicted to be tolerated by in silico analysis. Based on the available evidence, the clinical significance of this variant remains unclear.

NM_198578.4(LRRK2):c.1646C>G (p.Ala549Gly)

Gene: LRRK2 (leucine rich repeat kinase 2; plus strand). Cytogenetic location: 12q12.
Variant type: single nucleotide variant.
Coding change: c.1646C>G on transcript NM_198578.4 (MANE Select); coding-DNA position 1646, C replaced by G.
Protein change: p.Ala549Gly; replaces alanine 549 with glycine.
Molecular consequence: missense variant.
Genome position (GRCh38, 1-based): chr12:40,263,891, C>G. VCF-style: chr12-40263891-C-G. GRCh37 (hg19) VCF-style: chr12-40657693-C-G.
Other names: short protein forms A549G.
Identifiers: ClinVar variation 3540670 (VCV003540670.1).